The following is an entry in ClinVar:

ClinVar aggregate classification (germline): Uncertain significance. Review status: criteria provided, multiple submitters, no conflicts (2 of 4 stars). 2 submissions from 2 submitters: Uncertain significance (2). Last evaluated 2023-08-27.

Conditions:
Neurofibromatosis, type 2 (SWNV). Also called: BILATERAL ACOUSTIC NEUROFIBROMATOSIS; SCHWANNOMATOSIS, VESTIBULAR; NF2-Related Schwannomatosis. Identifiers: Orphanet 637, MedGen C0027832, MONDO:0007039, OMIM 101000. Disease mechanism: loss of function.
Hereditary cancer-predisposing syndrome. Also called: Hereditary Cancer Syndrome; Neoplastic Syndromes, Hereditary; Hereditary neoplastic syndrome; Tumor predisposition. Identifiers: Orphanet 140162, MedGen C0027672, MeSH D009386, MONDO:0015356.

Allele frequency attached by ClinVar (database versions not stated): gnomAD exomes below 0.00001; ExAC 0.00001.
gnomAD v4.1: 1 of 1,614,244 alleles (0.000062%); highest among the groups gnomAD compares: Non-Finnish European, 0.000085%; no homozygotes.

Submissions (2):

Labcorp Genetics (formerly Invitae), Labcorp
Classification: Uncertain significance for Neurofibromatosis, type 2. Last evaluated: 2023-08-27. Review status: criteria provided, single submitter. Criteria: Invitae Variant Classification Sherloc (09022015). Collection method: clinical testing. Allele origin: germline.
Comment: This variant has not been reported in the literature in individuals affected with NF2-related conditions. In summary, the available evidence is currently insufficient to determine the role of this variant in disease. Therefore, it has been classified as a Variant of Uncertain Significance. Advanced modeling of protein sequence and biophysical properties (such as structural, functional, and spatial information, amino acid conservation, physicochemical variation, residue mobility, and thermodynamic stability) performed at Invitae indicates that this missense variant is not expected to disrupt NF2 protein function. ClinVar contains an entry for this variant (Variation ID: 1435519). This variant is present in population databases (rs557347747, gnomAD 0.0009%). This sequence change replaces isoleucine, which is neutral and non-polar, with phenylalanine, which is neutral and non-polar, at codon 560 of the NF2 protein (p.Ile560Phe).

Ambry Genetics
Classification: Uncertain significance for Hereditary cancer-predisposing syndrome. Last evaluated: 2020-08-18. Review status: criteria provided, single submitter. Criteria: Ambry Variant Classification Scheme 2023. Collection method: clinical testing. Allele origin: germline.
Comment: The p.I560F variant (also known as c.1678A>T), located in coding exon 15 of the NF2 gene, results from an A to T substitution at nucleotide position 1678. The isoleucine at codon 560 is replaced by phenylalanine, an amino acid with highly similar properties. This amino acid position is well conserved in available vertebrate species. In addition, the in silico prediction for this alteration is inconclusive. Since supporting evidence is limited at this time, the clinical significance of this alteration remains unclear.

NM_000268.4(NF2):c.1678A>T (p.Ile560Phe)

Gene: NF2 (NF2, moesin-ezrin-radixin like (MERLIN) tumor suppressor; plus strand). Cytogenetic location: 22q12.2.
Variant type: single nucleotide variant.
Coding change: c.1678A>T on transcript NM_000268.4 (MANE Select); coding-DNA position 1678, A replaced by T.
Protein change: p.Ile560Phe; replaces isoleucine 560 with phenylalanine.
Molecular consequence: missense variant. On other transcripts: non-coding transcript variant (1), intron variant (1).
Genome position (GRCh38, 1-based): chr22:29,681,542, A>T. VCF-style: chr22-29681542-A-T. GRCh37 (hg19) VCF-style: chr22-30077531-A-T.
Other names: c.1678A>T, p.Ile560Phe (NM_016418.5, NM_181825.3, NM_181832.3); c.1552A>T, p.Ile518Phe (NM_181828.3); c.1555A>T, p.Ile519Phe (NM_181829.3); c.1429A>T, p.Ile477Phe (NM_181830.3, NM_181831.3); c.448-13210A>T (NM_181833.3); short protein forms I519F, I477F, I560F, I518F.
Identifiers: ClinVar variation 1435519 (VCV001435519.8), dbSNP rs557347747, ClinGen allele CA032567.